The following is an entry in ClinVar:

ClinVar aggregate classification (germline): Uncertain significance. Review status: criteria provided, multiple submitters, no conflicts (2 of 4 stars). 5 submissions from 5 submitters: Uncertain significance (5). Last evaluated 2025-11-19.

Conditions:
RYR1-related disorder. Also called: RYR1-related disorders; RYR1-related condition. Identifiers: MedGen CN239331.
Inborn genetic diseases. Identifiers: MedGen C0950123, MeSH D030342.
Malignant hyperthermia, susceptibility to, 1 (MHS1). Also called: RYR1-Related Malignant Hyperthermia Susceptibility; Malignant hyperthermia suceptibility 1; Anesthesia related hyperthermia; Malignant hyperpyrexia; Fulminating hyperpyrexia; Pharmacogenic myopathy. Identifiers: Orphanet 423, MedGen C2930980, MONDO:0007783, OMIM 145600.

Allele frequency attached by ClinVar (database versions not stated): ExAC 0.00002; ESP Exome Variant Server 0.00008.
gnomAD v4.1: 28 of 1,608,818 alleles (0.0017%); highest among the groups gnomAD compares: East Asian, 0.022%; no homozygotes.

Submissions (5):

Labcorp Genetics (formerly Invitae), Labcorp
Classification: Uncertain significance for RYR1-related disorder. Last evaluated: 2025-11-19. Review status: criteria provided, single submitter. Criteria: Invitae Variant Classification Sherloc (09022015). Collection method: clinical testing. Allele origin: germline.
Comment: This sequence change replaces arginine, which is basic and polar, with cysteine, which is neutral and slightly polar, at codon 1032 of the RYR1 protein (p.Arg1032Cys). This variant is present in population databases (rs374477216, gnomAD 0.007%). This variant has not been reported in the literature in individuals affected with RYR1-related conditions. ClinVar contains an entry for this variant (Variation ID: 2193638). Invitae Evidence Modeling of protein sequence and biophysical properties (such as structural, functional, and spatial information, amino acid conservation, physicochemical variation, residue mobility, and thermodynamic stability) indicates that this missense variant is not expected to disrupt RYR1 protein function with a negative predictive value of 80%. In summary, the available evidence is currently insufficient to determine the role of this variant in disease. Therefore, it has been classified as a Variant of Uncertain Significance.

Ambry Genetics
Classification: Uncertain significance for Inborn genetic diseases. Last evaluated: 2025-06-12. Review status: criteria provided, single submitter. Criteria: Ambry Variant Classification Scheme 2023. Collection method: clinical testing. Allele origin: germline.

All of Us Research Program, National Institutes of Health
Classification: Uncertain significance for Malignant hyperthermia, susceptibility to, 1. Last evaluated: 2024-07-20. Review status: criteria provided, single submitter. Criteria: ACMG Guidelines, 2015. Collection method: clinical testing. Allele origin: germline. Inheritance: Autosomal dominant inheritance. Observed: 8 variant alleles, 8 heterozygotes.
Comment: This missense variant replaces arginine with cysteine at codon 1032 of the RYR1 protein. Computational prediction suggests that this variant may have deleterious impact on protein structure and function (internally defined REVEL score threshold >= 0.7, PMID: 27666373). To our knowledge, functional studies have not been reported for this variant. This variant has not been reported in individuals affected with RYR1-related disorders in the literature. This variant has been identified in 5/235986 chromosomes in the general population by the Genome Aggregation Database (gnomAD). The available evidence is insufficient to determine the role of this variant in disease conclusively. Therefore, this variant is classified as a Variant of Uncertain Significance.

This study involves interpretation of variants in research participants for the purpose of population health screening. Participant phenotype was not available at the time of variant classification. Additional details can be found in publication PMID: 35346344, PMCID: PMC8962531

Women's Health and Genetics/Laboratory Corporation of America, LabCorp
Classification: Uncertain significance. Last evaluated: 2024-06-19. Review status: criteria provided, single submitter. Criteria: LabCorp Variant Classification Summary - May 2015. Collection method: clinical testing. Allele origin: germline.
Comment: Variant summary: RYR1 c.3094C>T (p.Arg1032Cys) results in a non-conservative amino acid change located in the B30.2/SPRY domain (IPR001870) of the encoded protein sequence. Five of five in-silico tools predict a damaging effect of the variant on protein function. The variant allele was found at a frequency of 2.1e-05 in 235986 control chromosomes. The available data on variant occurrences in the general population are insufficient to allow any conclusion about variant significance. To our knowledge, no occurrence of c.3094C>T in individuals affected with Myopathy, RYR1-Associated and no experimental evidence demonstrating its impact on protein function have been reported. ClinVar contains an entry for this variant (Variation ID: 2193638). Based on the evidence outlined above, the variant was classified as uncertain significance.

Color Diagnostics, LLC DBA Color Health
Classification: Uncertain significance for Malignant hyperthermia, susceptibility to, 1. Last evaluated: 2024-06-05. Review status: criteria provided, single submitter. Criteria: ACMG Guidelines, 2015. Collection method: clinical testing. Allele origin: germline.
Comment: This missense variant replaces arginine with cysteine at codon 1032 of the RYR1 protein. Computational prediction is inconclusive regarding the impact of this variant on protein structure and function. To our knowledge, functional studies have not been reported for this variant. This variant has not been reported in individuals affected with RYR1-related disorders in the literature. This variant has been identified in 5/235986 chromosomes in the general population by the Genome Aggregation Database (gnomAD). The available evidence is insufficient to determine the role of this variant in disease conclusively. Therefore, this variant is classified as a Variant of Uncertain Significance.

NM_000540.3(RYR1):c.3094C>T (p.Arg1032Cys)

Gene: RYR1 (ryanodine receptor 1; plus strand). Cytogenetic location: 19q13.2.
Variant type: single nucleotide variant.
Coding change: c.3094C>T on transcript NM_000540.3 (MANE Select); coding-DNA position 3094, C replaced by T.
Protein change: p.Arg1032Cys; replaces arginine 1032 with cysteine.
Molecular consequence: missense variant.
Genome position (GRCh38, 1-based): chr19:38,466,314, C>T. VCF-style: chr19-38466314-C-T. GRCh37 (hg19) VCF-style: chr19-38956954-C-T.
Other names: c.3094C>T, p.Arg1032Cys (NM_001042723.2); short protein forms R1032C.
Identifiers: ClinVar variation 2193638 (VCV002193638.7), dbSNP rs374477216, ClinGen allele CA064400.